The following is an entry in ClinVar:

ClinVar aggregate classification (germline): Uncertain significance (1 of 4 stars; one submission).

Submission:

Labcorp Genetics (formerly Invitae), Labcorp
Classification: Uncertain significance. Last evaluated: 2022-04-19. Review status: criteria provided, single submitter. Criteria: Invitae Variant Classification Sherloc (09022015). Collection method: clinical testing. Allele origin: germline.
Comment: This variant is a gross deletion of the genomic region encompassing exon(s) 7-8 of the DMXL2 gene. This variant would be expected to be in-frame, preserving the integrity of the reading frame. This variant has not been reported in the literature in individuals affected with DMXL2-related conditions. Experimental studies and prediction algorithms are not available or were not evaluated, and the functional significance of this variant is currently unknown. In summary, the available evidence is currently insufficient to determine the role of this variant in disease. Therefore, it has been classified as a Variant of Uncertain Significance.

NC_000015.9:g.(?_51837760)_(51839625_?)del

Gene: DMXL2 (Dmx like 2; minus strand). Cytogenetic location: 15q21.2.
Variant type: Deletion.
Identifiers: ClinVar variation 2423930 (VCV002423930.4).